The following is an entry in ClinVar:

NM_000218.3(KCNQ1):c.524_534dup (p.Gly179fs)

Gene: KCNQ1 (potassium voltage-gated channel subfamily Q member 1; plus strand). Cytogenetic location: 11p15.5.
Variant type: Duplication.
Coding change: c.524_534dup on transcript NM_000218.3 (MANE Select); coding-DNA positions 524 to 534, 11 bases duplicated (TCTGGTCCGCC).
Protein change: p.Gly179fs; shifts the reading frame from glycine 179.
Molecular consequence: frameshift variant.
Genome position (GRCh38, 1-based): chr11:2,570,674-2,570,684, TCTGGTCCGCC duplicated; duplicating any 11 consecutive bases within chr11:2,570,665-2,570,684 gives the same sequence; the c. name uses the placement nearest the transcript's 3' end. VCF-style (leftmost placement, unchanged base first): chr11-2570664-G-GTGGTCCGCCTC. GRCh37 (hg19) VCF-style: chr11-2591894-G-GTGGTCCGCCTC.
Other names: c.524_534dup, p.Gly179Serfs (NM_001406836.1); c.254_264dup, p.Gly89Serfs (NM_001406837.1); c.143_153dup, p.Gly52Serfs (NM_181798.2); c.524_534dupTCTGGTCCGCC (NM_000218.2); c.524_534dup (LRG_287t1); short protein forms G52fs, G179fs.
Identifiers: ClinVar variation 253221 (VCV000253221.8), dbSNP rs763462603, ClinGen allele CA10586242.

ClinVar aggregate classification (germline): Pathogenic/Likely pathogenic. Review status: criteria provided, multiple submitters, no conflicts (2 of 4 stars). 5 submissions from 5 submitters: Pathogenic (3); Likely pathogenic (1). 1 of the submissions does not count toward it. Last evaluated 2026-01-07.

Conditions:
Cardiovascular phenotype. Identifiers: MedGen CN230736.
Long QT syndrome 1 (LQT1). Identifiers: Orphanet 101016, Orphanet 768, MedGen C4551647, MONDO:0100316, OMIM 192500, MONDO:0008646.

Submissions (5):

Molecular Diagnostic Laboratory for Inherited Cardiovascular Disease, Montreal Heart Institute
Classification: Pathogenic for Cardiovascular phenotype. Last evaluated: 2026-01-07. Review status: criteria provided, single submitter. Criteria: ACMG Guidelines, 2015. Collection method: clinical testing. Allele origin: germline. Affected: yes.
Comment: PVS1, PS4_mod, PM2, PM3

GeneDx
Classification: Pathogenic. Last evaluated: 2025-06-17. Review status: criteria provided, single submitter. Criteria: GeneDx Variant Classification Process June 2021. Collection method: clinical testing. Allele origin: germline. Affected: yes.
Comment: Frameshift variant predicted to result in protein truncation or nonsense mediated decay in a gene for which loss of function is a known mechanism of disease; Not observed at significant frequency in large population cohorts (gnomAD); This variant is associated with the following publications: (PMID: 31737537, 35932045, 37586840, 14998624, 24183960, 26939673)

Equipe Genetique des Anomalies du Developpement, Université de Bourgogne
Classification: Likely pathogenic for Long QT syndrome 1. Last evaluated: 2018-07-31. Review status: criteria provided, single submitter. Criteria: ACMG Guidelines, 2015. Collection method: clinical testing. Allele origin: maternal. Affected: yes.

MVZ Martinsried, Medicover Genetics
Classification: Pathogenic for Long QT syndrome 1. Last evaluated: 2018-07-11. Review status: criteria provided, single submitter. Criteria: ACMG Guidelines, 2015. Collection method: clinical testing. Allele origin: unknown.

Institute of Medical Genetics and Genomics, Sir Ganga Ram Hospital
Classification: Pathogenic for Long QT syndrome, LQT1 subtype. Last evaluated: 2012-01-01. Review status: no assertion criteria provided. Collection method: research. Allele origin: germline. Affected: yes. Observed: 1 variant allele. Study: Life Threatening Long QT Syndromes. Not counted in ClinVar's aggregate classification.

Literature cited by the submitters: PubMed 27485560 (cited by Institute of Medical Genetics and Genomics, Sir Ganga Ram Hospital).